The following is an entry in ClinVar:

NM_024665.7(TBL1XR1):c.1490A>G (p.Lys497Arg)

Gene: TBL1XR1 (TBL1X/Y related 1; minus strand). Cytogenetic location: 3q26.32.
Variant type: single nucleotide variant.
Coding change: c.1490A>G on transcript NM_024665.7 (MANE Select); coding-DNA position 1490, A replaced by G.
Protein change: p.Lys497Arg; replaces lysine 497 with arginine.
Molecular consequence: missense variant.
Genome position (GRCh38, 1-based): chr3:177,026,401, T>C on the plus strand (A>G on the coding strand, the complement: TBL1XR1 is on the minus strand). VCF-style: chr3-177026401-T-C. GRCh37 (hg19) VCF-style: chr3-176744189-T-C.
Other names: c.1490A>G, p.Lys497Arg (NM_001321193.3, NM_001321194.3, NM_001374327.1 and 2 more transcripts); c.1229A>G, p.Lys410Arg (NM_001321195.3, NM_001374330.1); short protein forms K410R, K497R.
Identifiers: ClinVar variation 4695515 (VCV004695515.1).

ClinVar aggregate classification (germline): Uncertain significance (1 of 4 stars; one submission).

Conditions:
Pierpont syndrome (PRPTS). Identifiers: Orphanet 487825, MedGen C1865644, MONDO:0011213, OMIM 602342.

gnomAD v4.1: 5 of 1,613,070 alleles (0.00031%); highest among the groups gnomAD compares: Admixed American, 0.0017%; no homozygotes.

Submission:

Labcorp Genetics (formerly Invitae), Labcorp
Classification: Uncertain significance for Pierpont syndrome. Last evaluated: 2025-08-14. Review status: criteria provided, single submitter. Criteria: Invitae Variant Classification Sherloc (09022015). Collection method: clinical testing. Allele origin: germline.
Comment: This sequence change replaces lysine, which is basic and polar, with arginine, which is basic and polar, at codon 497 of the TBL1XR1 protein (p.Lys497Arg). The frequency data for this variant in the population databases is considered unreliable, as metrics indicate poor data quality at this position in the gnomAD database. This variant has not been reported in the literature in individuals affected with TBL1XR1-related conditions. Invitae Evidence Modeling of protein sequence and biophysical properties (such as structural, functional, and spatial information, amino acid conservation, physicochemical variation, residue mobility, and thermodynamic stability) indicates that this missense variant is not expected to disrupt TBL1XR1 protein function with a negative predictive value of 95%. Experimental studies have shown that this missense change affects TBL1XR1 function (PMID: 27129164). In summary, the available evidence is currently insufficient to determine the role of this variant in disease. Therefore, it has been classified as a Variant of Uncertain Significance.

Literature cited by the submitters: PubMed 27129164.